The following is an entry in ClinVar:

ClinVar aggregate classification (germline): Uncertain significance. Review status: criteria provided, multiple submitters, no conflicts (2 of 4 stars). 3 submissions from 3 submitters: Uncertain significance (3). Last evaluated 2023-06-27.

Conditions:
Cardiovascular phenotype. Identifiers: MedGen CN230736.
Hypertrophic cardiomyopathy 14. Identifiers: MedGen C2750467, MONDO:0013197, OMIM 613251.

Allele frequency attached by ClinVar (database versions not stated): TOPMed below 0.00001; ExAC 0.00001; gnomAD 0.00001.

Submissions (3):

Labcorp Genetics (formerly Invitae), Labcorp
Classification: Uncertain significance for Hypertrophic cardiomyopathy 14. Last evaluated: 2023-06-27. Review status: criteria provided, single submitter. Criteria: Invitae Variant Classification Sherloc (09022015). Collection method: clinical testing. Allele origin: germline.
Comment: This sequence change replaces valine, which is neutral and non-polar, with alanine, which is neutral and non-polar, at codon 606 of the MYH6 protein (p.Val606Ala). This variant is present in population databases (rs746184323, gnomAD 0.0009%). In summary, the available evidence is currently insufficient to determine the role of this variant in disease. Therefore, it has been classified as a Variant of Uncertain Significance. Advanced modeling of protein sequence and biophysical properties (such as structural, functional, and spatial information, amino acid conservation, physicochemical variation, residue mobility, and thermodynamic stability) performed at Invitae indicates that this missense variant is not expected to disrupt MYH6 protein function. This variant has not been reported in the literature in individuals affected with MYH6-related conditions.

Ambry Genetics
Classification: Uncertain significance for Cardiovascular phenotype. Last evaluated: 2023-03-31. Review status: criteria provided, single submitter. Criteria: Ambry Variant Classification Scheme 2023. Collection method: clinical testing. Allele origin: germline.
Comment: The p.V606A variant (also known as c.1817T>C), located in coding exon 13 of the MYH6 gene, results from a T to C substitution at nucleotide position 1817. The valine at codon 606 is replaced by alanine, an amino acid with similar properties. This amino acid position is conserved. In addition, this alteration is predicted to be deleterious by in silico analysis. Since supporting evidence is limited at this time, the clinical significance of this alteration remains unclear.

Blueprint Genetics
Classification: Uncertain significance. Last evaluated: 2018-10-09. Review status: criteria provided, single submitter. Criteria: ACMG Guidelines, 2015. Collection method: clinical testing. Allele origin: germline.

NM_002471.4(MYH6):c.1817T>C (p.Val606Ala)

Gene: MYH6 (myosin heavy chain 6; minus strand). Cytogenetic location: 14q11.2.
Variant type: single nucleotide variant.
Coding change: c.1817T>C on transcript NM_002471.4 (MANE Select); coding-DNA position 1817, T replaced by C.
Protein change: p.Val606Ala; replaces valine 606 with alanine.
Molecular consequence: missense variant.
Genome position (GRCh38, 1-based): chr14:23,398,802, A>G on the plus strand (T>C on the coding strand, the complement: MYH6 is on the minus strand). VCF-style: chr14-23398802-A-G. GRCh37 (hg19) VCF-style: chr14-23868011-A-G.
Other names: short protein forms V606A.
Identifiers: ClinVar variation 2567196 (VCV002567196.6), dbSNP rs746184323, ClinGen allele CA7115705.